The following is an entry in ClinVar:

NM_006231.4(POLE):c.1855T>C (p.Cys619Arg)

Gene: POLE (DNA polymerase epsilon, catalytic subunit; minus strand). Cytogenetic location: 12q24.33.
Variant type: single nucleotide variant.
Coding change: c.1855T>C on transcript NM_006231.4 (MANE Select); coding-DNA position 1855, T replaced by C.
Protein change: p.Cys619Arg; replaces cysteine 619 with arginine.
Molecular consequence: missense variant.
Genome position (GRCh38, 1-based): chr12:132,668,879, A>G on the plus strand (T>C on the coding strand, the complement: POLE is on the minus strand). VCF-style: chr12-132668879-A-G. GRCh37 (hg19) VCF-style: chr12-133245465-A-G.
Other names: c.1855T>C (NM_006231.2); short protein forms C619R.
Identifiers: ClinVar variation 473493 (VCV000473493.8), dbSNP rs758779896, ClinGen allele CA6893797.

ClinVar aggregate classification (germline): Uncertain significance. Review status: criteria provided, multiple submitters, no conflicts (2 of 4 stars). 3 submissions from 3 submitters: Uncertain significance (3). Last evaluated 2025-01-30.

Conditions:
Hereditary cancer-predisposing syndrome. Also called: Hereditary neoplastic syndrome; Neoplastic Syndromes, Hereditary; Hereditary Cancer Syndrome; Tumor predisposition. Identifiers: Orphanet 140162, MedGen C0027672, MeSH D009386, MONDO:0015356.

Allele frequency attached by ClinVar (database versions not stated): gnomAD exomes below 0.00001; ExAC 0.00001.

Submissions (3):

Ambry Genetics
Classification: Uncertain significance for Hereditary cancer-predisposing syndrome. Last evaluated: 2025-01-30. Review status: criteria provided, single submitter. Criteria: Ambry Variant Classification Scheme 2023. Collection method: clinical testing. Allele origin: germline.
Comment: The p.C619R variant (also known as c.1855T>C), located in coding exon 17 of the POLE gene, results from a T to C substitution at nucleotide position 1855. The cysteine at codon 619 is replaced by arginine, an amino acid with highly dissimilar properties. This amino acid position is highly conserved in available vertebrate species. In addition, the in silico prediction for this alteration is inconclusive. Based on the available evidence, the clinical significance of this variant remains unclear.

Blueprint Genetics
Classification: Uncertain significance. Last evaluated: 2023-06-07. Review status: criteria provided, single submitter. Criteria: ACMG Guidelines, 2015. Collection method: clinical testing. Allele origin: germline.

Labcorp Genetics (formerly Invitae), Labcorp
Classification: Uncertain significance. Last evaluated: 2023-01-24. Review status: criteria provided, single submitter. Criteria: Invitae Variant Classification Sherloc (09022015). Collection method: clinical testing. Allele origin: germline.
Comment: In summary, the available evidence is currently insufficient to determine the role of this variant in disease. Therefore, it has been classified as a Variant of Uncertain Significance. Advanced modeling of protein sequence and biophysical properties (such as structural, functional, and spatial information, amino acid conservation, physicochemical variation, residue mobility, and thermodynamic stability) performed at Invitae indicates that this missense variant is not expected to disrupt POLE protein function. ClinVar contains an entry for this variant (Variation ID: 473493). This variant has not been reported in the literature in individuals affected with POLE-related conditions. This variant is present in population databases (rs758779896, gnomAD 0.004%). This sequence change replaces cysteine, which is neutral and slightly polar, with arginine, which is basic and polar, at codon 619 of the POLE protein (p.Cys619Arg).